The following is an entry in ClinVar:

NM_181882.3(PRX):c.2T>C (p.Met1Thr)

Gene: PRX (periaxin; minus strand). Cytogenetic location: 19q13.2.
Variant type: single nucleotide variant.
Coding change: c.2T>C on transcript NM_181882.3 (MANE Select); coding-DNA position 2, T replaced by C.
Protein change: p.Met1Thr; changes the start codon (methionine 1).
Molecular consequence: missense variant, initiator codon variant.
Genome position (GRCh38, 1-based): chr19:40,407,931, A>G on the plus strand (T>C on the coding strand, the complement: PRX is on the minus strand). VCF-style: chr19-40407931-A-G. GRCh37 (hg19) VCF-style: chr19-40913838-A-G.
Other names: c.2T>C, p.Met1Thr (NM_020956.2); short protein forms M1T.
Identifiers: ClinVar variation 916822 (VCV000916822.3), dbSNP rs1352237419, ClinGen allele CA405902081.
Genomic context (GRCh38, chr19:40,407,931, plus strand): 5'-CTCAAGTGCGCCTTGCAGGACACGTGGGCACTCACCTCGGCACTCCGGCTCCTGGCCTCC[A>G]TGGCGTTGCTGGGAGGCACCTGCACCCCAGGCTCCTGTGTCCTCTCCCCTTTCTGCTGCA-3'
Protein context (NP_870998.2, residues 1-11): [Met1Thr]EARSRSAEEL

ClinVar aggregate classification (germline): Conflicting classifications of pathogenicity. Review status: criteria provided, conflicting classifications (1 of 4 stars). 2 submissions from 2 submitters: Likely pathogenic (1); Uncertain significance (1). Last evaluated 2023-08-23.

Conditions:
Charcot-Marie-Tooth disease. Also called: Charcot-Marie-Tooth Hereditary Neuropathy; Charcot-Marie-Tooth Neuropathy. Identifiers: Orphanet 166, MedGen C0007959, MONDO:0015626.
Charcot-Marie-Tooth disease type 4. Also called: Charcot-Marie-Tooth, Type 4; Charcot-Marie-Tooth disease, type IV. Identifiers: Orphanet 64749, MedGen C4082197, MONDO:0018995.

Allele frequency attached by ClinVar (database versions not stated): gnomAD exomes below 0.00001 and 0.00001; gnomAD 0.00001.

Submissions (2):

Labcorp Genetics (formerly Invitae), Labcorp
Classification: Uncertain significance for Charcot-Marie-Tooth disease type 4. Last evaluated: 2023-08-23. Review status: criteria provided, single submitter. Criteria: Invitae Variant Classification Sherloc (09022015). Collection method: clinical testing. Allele origin: germline.
Comment: In summary, the available evidence is currently insufficient to determine the role of this variant in disease. Therefore, it has been classified as a Variant of Uncertain Significance. Experimental studies and prediction algorithms are not available or were not evaluated, and the functional significance of this variant is currently unknown. ClinVar contains an entry for this variant (Variation ID: 916822). Disruption of the initiator codon has been observed in individual(s) with clinical features of Charcot-Marie-Tooth disease (PMID: 32376792; Invitae). This variant is present in population databases (no rsID available, gnomAD 0.007%). This sequence change affects the initiator methionine of the PRX mRNA. The next in-frame methionine is located at codon 140.

Molecular Genetics Laboratory, London Health Sciences Centre
Classification: Likely pathogenic for Charcot-Marie-Tooth disease. Review status: criteria provided, single submitter. Criteria: ACMG Guidelines, 2015. Collection method: clinical testing. Allele origin: germline. Affected: yes.

Literature cited by the submitters: PubMed 32376792 (cited by Labcorp Genetics (formerly Invitae), Labcorp).